The following is an entry in ClinVar:

NM_024675.4(PALB2):c.212-183T>G

Gene: PALB2 (partner and localizer of BRCA2; minus strand). Cytogenetic location: 16p12.2.
Variant type: single nucleotide variant.
Coding change: c.212-183T>G on transcript NM_024675.4 (MANE Select); 183 bases into the intron before coding-DNA position 212, T replaced by G.
Molecular consequence: intron variant.
Genome position (GRCh38, 1-based): chr16:23,636,517, A>C on the plus strand (T>G on the coding strand, the complement: PALB2 is on the minus strand). VCF-style: chr16-23636517-A-C. GRCh37 (hg19) VCF-style: chr16-23647838-A-C.
Identifiers: ClinVar variation 677009 (VCV000677009.1), dbSNP rs60253267, ClinGen allele CA279500637.
Genomic context (GRCh38, chr16:23,636,517, plus strand): 5'-TTTCATTCAGGCAGATGAATTTACAGGTGAAATAAACCTATTTTTTAGGCTGTGAGTAGT[A>C]AGGTCACTGTTACCTTTAGGAGGAATGTGTTCAAGGTGTTGACTACTTCTACTATCTGAT-3'

ClinVar aggregate classification (germline): Likely benign (1 of 4 stars; one submission).

Allele frequency attached by ClinVar (database versions not stated): 1000 Genomes Project 0.02516; 1000 Genomes Project 30x 0.02623; gnomAD 0.03240 and 0.03388; TOPMed 0.03560.
gnomAD v4.1: 5,055 of 152,236 alleles (3.3%); highest among the groups gnomAD compares: Middle Eastern, 8.8%; 119 homozygotes.

Submission:

GeneDx
Classification: Likely benign. Last evaluated: 2018-06-15. Review status: criteria provided, single submitter. Criteria: GeneDx Variant Classification (06012015). Collection method: clinical testing. Allele origin: germline. Affected: yes.
Comment: This variant is considered likely benign or benign based on one or more of the following criteria: it is a conservative change, it occurs at a poorly conserved position in the protein, it is predicted to be benign by multiple in silico algorithms, and/or has population frequency not consistent with disease.